The following is an entry in ClinVar:

NM_005045.4(RELN):c.1159G>T (p.Asp387Tyr)

Gene: RELN (reelin; minus strand). Cytogenetic location: 7q22.1.
Variant type: single nucleotide variant.
Coding change: c.1159G>T on transcript NM_005045.4 (MANE Select); coding-DNA position 1159, G replaced by T.
Protein change: p.Asp387Tyr; replaces aspartic acid 387 with tyrosine.
Molecular consequence: missense variant.
Genome position (GRCh38, 1-based): chr7:103,682,246, C>A on the plus strand (G>T on the coding strand, the complement: RELN is on the minus strand). VCF-style: chr7-103682246-C-A. GRCh37 (hg19) VCF-style: chr7-103322693-C-A.
Other names: c.1159G>T, p.Asp387Tyr (NM_173054.3); short protein forms D387Y.
Identifiers: ClinVar variation 2430358 (VCV002430358.2), dbSNP rs1562954909, ClinGen allele CA368926655.

ClinVar aggregate classification (germline): Uncertain significance (1 of 4 stars; one submission).

gnomAD v4.1: 3 of 1,614,040 alleles (0.00019%); highest among the groups gnomAD compares: Non-Finnish European, 0.00025%; no homozygotes.

Submission:

Centre of Medical Genetics, University Hospital Muenster
Classification: Uncertain significance. Last evaluated: 2022-12-05. Review status: criteria provided, single submitter. Criteria: ACMG Guidelines, 2015. Collection method: clinical testing. Allele origin: unknown. Affected: yes. Observed: 1 variant allele, 1 heterozygote.
Comment: ACMG categories: PM2,PP3